The following is an entry in ClinVar:

NM_017950.4(CCDC40):c.1807G>A (p.Glu603Lys)

Gene: CCDC40 (coiled-coil domain 40 molecular ruler complex subunit; plus strand). Cytogenetic location: 17q25.3.
Variant type: single nucleotide variant.
Coding change: c.1807G>A on transcript NM_017950.4 (MANE Select); coding-DNA position 1807, G replaced by A.
Protein change: p.Glu603Lys; replaces glutamic acid 603 with lysine.
Molecular consequence: missense variant.
Genome position (GRCh38, 1-based): chr17:80,081,876, G>A. VCF-style: chr17-80081876-G-A. GRCh37 (hg19) VCF-style: chr17-78055675-G-A.
Other names: c.1807G>A, p.Glu603Lys (NM_001243342.2); short protein forms E603K.
Identifiers: ClinVar variation 931391 (VCV000931391.4), dbSNP rs948532763, ClinGen allele CA294859274.

ClinVar aggregate classification (germline): Uncertain significance. Review status: criteria provided, multiple submitters, no conflicts (2 of 4 stars). 2 submissions from 2 submitters: Uncertain significance (2). Last evaluated 2021-11-17.

Conditions:
Primary ciliary dyskinesia 15. Also called: CILIARY DYSKINESIA, PRIMARY, 15, WITH OR WITHOUT SITUS INVERSUS. Identifiers: Orphanet 244, MedGen C3151137, MONDO:0013435, OMIM 613808.

Allele frequency attached by ClinVar (database versions not stated): gnomAD 0.00001; gnomAD exomes 0.00001; TOPMed 0.00001.
gnomAD v4.1: 17 of 1,614,002 alleles (0.0011%); highest among the groups gnomAD compares: Non-Finnish European, 0.0013%; no homozygotes.

Submissions (2):

Fulgent Genetics
Classification: Uncertain significance for Primary ciliary dyskinesia 15. Last evaluated: 2021-11-17. Review status: criteria provided, single submitter. Criteria: ACMG Guidelines, 2015. Collection method: clinical testing. Allele origin: unknown.

Centre for Mendelian Genomics, University Medical Centre Ljubljana
Classification: Uncertain significance for Primary ciliary dyskinesia 15. Last evaluated: 2016-01-01. Review status: criteria provided, single submitter. Criteria: ACMG Guidelines, 2015. Collection method: clinical testing. Allele origin: unknown. Affected: yes.
Comment: This variant was classified as: Uncertain significance.